The following is an entry in ClinVar:

ClinVar aggregate classification (germline): Uncertain significance (0 of 4 stars; one submission).

Conditions:
CACNA1D-related disorder.

Submission:

PreventionGenetics, part of Exact Sciences
Classification: Uncertain significance for CACNA1D-related condition. Last evaluated: 2024-03-21. Review status: no assertion criteria provided. Collection method: clinical testing. Allele origin: germline.
Comment: The CACNA1D c.2553_2558dup6 variant is predicted to result in an in-frame duplication (p.Glu853_Glu854dup). To our knowledge, this variant has not been reported in the literature. This variant is reported in 0.0015% of alleles in individuals of European (Non-Finnish) descent in gnomAD. At this time, the clinical significance of this variant is uncertain due to the absence of conclusive functional and genetic evidence.

NM_001128840.3(CACNA1D):c.2481AGAGGA[4] (p.Glu834_Asp835insGluGlu)

Gene: CACNA1D (calcium voltage-gated channel subunit alpha1 D; plus strand). Cytogenetic location: 3p21.1.
Variant type: Microsatellite.
Coding change: c.2481AGAGGA[4] on transcript NM_001128840.3 (MANE Select); four copies in a row of the 6-base unit AGAGGA starting at c.2481; the reference has three copies in a row; one copy, 6 bases duplicated.
Protein change: p.Glu834_Asp835insGluGlu.
Molecular consequence: inframe insertion.
Genome position (GRCh38, 1-based): chr3:53,732,834-53,732,839, AGAGGA duplicated; duplicating any 6 consecutive bases within chr3:53,732,819-53,732,839 gives the same sequence; the position shown is the placement nearest the transcript's 3' end. VCF-style (leftmost placement, unchanged base first): chr3-53732818-G-GGGAAGA. GRCh37 (hg19) VCF-style: chr3-53766845-G-GGGAAGA.
Other names: c.2541AGAGGA[4], p.Glu854_Asp855insGluGlu (NM_000720.4); c.2481AGAGGA[4], p.Glu834_Asp835insGluGlu (NM_001128839.3).
Identifiers: ClinVar variation 3355075 (VCV003355075.1).